The following is an entry in ClinVar:

NM_005732.4(RAD50):c.2893A>G (p.Ile965Val)

Gene: RAD50 (RAD50 double strand break repair protein; plus strand). Cytogenetic location: 5q31.1.
Variant type: single nucleotide variant.
Coding change: c.2893A>G on transcript NM_005732.4 (MANE Select); coding-DNA position 2893, A replaced by G.
Protein change: p.Ile965Val; replaces isoleucine 965 with valine.
Molecular consequence: missense variant.
Genome position (GRCh38, 1-based): chr5:132,609,180, A>G. VCF-style: chr5-132609180-A-G. GRCh37 (hg19) VCF-style: chr5-131944872-A-G.
Other names: short protein forms I965V.
Identifiers: ClinVar variation 821927 (VCV000821927.4), dbSNP rs1581004690, ClinGen allele CA360959855.

ClinVar aggregate classification (germline): Uncertain significance (1 of 4 stars; one submission).

Conditions:
Hereditary cancer-predisposing syndrome. Also called: Tumor predisposition; Hereditary Cancer Syndrome; Neoplastic Syndromes, Hereditary; Hereditary neoplastic syndrome. Identifiers: Orphanet 140162, MedGen C0027672, MeSH D009386, MONDO:0015356.

Allele frequency attached by ClinVar (database versions not stated): gnomAD exomes below 0.00001.

Submission:

Ambry Genetics
Classification: Uncertain significance for Hereditary cancer-predisposing syndrome. Last evaluated: 2019-04-03. Review status: criteria provided, single submitter. Criteria: Ambry Variant Classification Scheme 2023. Collection method: clinical testing. Allele origin: germline.
Comment: The p.I965V variant (also known as c.2893A>G), located in coding exon 18 of the RAD50 gene, results from an A to G substitution at nucleotide position 2893. The isoleucine at codon 965 is replaced by valine, an amino acid with highly similar properties. This amino acid position is well conserved in available vertebrate species. In addition, this alteration is predicted to be tolerated by in silico analysis. Since supporting evidence is limited at this time, the clinical significance of this alteration remains unclear.